The following is an entry in ClinVar:

ClinVar aggregate classification (germline): Uncertain significance (1 of 4 stars; one submission).

Conditions:
Early-infantile DEE. Also called: Ohtahara syndrome; Early infantile epileptic encephalopathy; Early infantile epileptic encephalopathy with suppression bursts. Identifiers: Orphanet 1934, MedGen C0393706, MONDO:0800491.

Submission:

Labcorp Genetics (formerly Invitae), Labcorp
Classification: Uncertain significance for Early-infantile DEE. Last evaluated: 2022-08-21. Review status: criteria provided, single submitter. Criteria: Invitae Variant Classification Sherloc (09022015). Collection method: clinical testing. Allele origin: germline.
Comment: This sequence change replaces lysine, which is basic and polar, with threonine, which is neutral and polar, at codon 281 of the GNAO1 protein (p.Lys281Thr). This variant is not present in population databases (gnomAD no frequency). This variant has not been reported in the literature in individuals affected with GNAO1-related conditions. Advanced modeling of protein sequence and biophysical properties (such as structural, functional, and spatial information, amino acid conservation, physicochemical variation, residue mobility, and thermodynamic stability) performed at Invitae indicates that this missense variant is not expected to disrupt GNAO1 protein function. In summary, the available evidence is currently insufficient to determine the role of this variant in disease. Therefore, it has been classified as a Variant of Uncertain Significance.

NM_020988.3(GNAO1):c.842A>C (p.Lys281Thr)

Gene: GNAO1 (G protein subunit alpha o1; plus strand). Cytogenetic location: 16q13.
Variant type: single nucleotide variant.
Coding change: c.842A>C on transcript NM_020988.3 (MANE Select); coding-DNA position 842, A replaced by C.
Protein change: p.Lys281Thr; replaces lysine 281 with threonine.
Molecular consequence: missense variant.
Genome position (GRCh38, 1-based): chr16:56,351,502, A>C. VCF-style: chr16-56351502-A-C. GRCh37 (hg19) VCF-style: chr16-56385414-A-C.
Other names: short protein forms K281T.
Identifiers: ClinVar variation 1932332 (VCV001932332.5), dbSNP rs2543427352, ClinGen allele CA395954859.